The following is an entry in ClinVar:

NM_018718.3(CEP41):c.437T>C (p.Val146Ala)

Gene: CEP41 (centrosomal protein 41; minus strand). Cytogenetic location: 7q32.2.
Variant type: single nucleotide variant.
Coding change: c.437T>C on transcript NM_018718.3 (MANE Select); coding-DNA position 437, T replaced by C.
Protein change: p.Val146Ala; replaces valine 146 with alanine.
Molecular consequence: missense variant. On other transcripts: non-coding transcript variant (1).
Genome position (GRCh38, 1-based): chr7:130,402,785, A>G on the plus strand (T>C on the coding strand, the complement: CEP41 is on the minus strand). VCF-style: chr7-130402785-A-G. GRCh37 (hg19) VCF-style: chr7-130042626-A-G.
Other names: c.437T>C, p.Val146Ala (NM_001257158.2); c.389T>C, p.Val130Ala (NM_001257159.2); short protein forms V146A, V130A.
Identifiers: ClinVar variation 957498 (VCV000957498.8), dbSNP rs1170058733, ClinGen allele CA369288970.

ClinVar aggregate classification (germline): Uncertain significance (1 of 4 stars; one submission).

Conditions:
Joubert syndrome 15 (JBTS15). Identifiers: Orphanet 475, MedGen C3280897, MONDO:0013763, OMIM 614464.

Allele frequency attached by ClinVar (database versions not stated): gnomAD exomes below 0.00001; TOPMed below 0.00001.
gnomAD v4.1: 2 of 1,614,104 alleles (0.00012%); highest among the groups gnomAD compares: Admixed American, 0.0017%; no homozygotes.

Submission:

Labcorp Genetics (formerly Invitae), Labcorp
Classification: Uncertain significance for Joubert syndrome 15. Last evaluated: 2019-11-04. Review status: criteria provided, single submitter. Criteria: Invitae Variant Classification Sherloc (09022015). Collection method: clinical testing. Allele origin: germline.
Comment: This variant has not been reported in the literature in individuals with CEP41-related conditions. Algorithms developed to predict the effect of missense changes on protein structure and function (SIFT, PolyPhen-2, Align-GVGD) all suggest that this variant is likely to be disruptive, but these predictions have not been confirmed by published functional studies and their clinical significance is uncertain. In summary, the available evidence is currently insufficient to determine the role of this variant in disease. Therefore, it has been classified as a Variant of Uncertain Significance. This variant is not present in population databases (ExAC no frequency). This sequence change replaces valine with alanine at codon 146 of the CEP41 protein (p.Val146Ala). The valine residue is highly conserved and there is a small physicochemical difference between valine and alanine.